The following is an entry in ClinVar:

NM_024675.4(PALB2):c.658del (p.Ser220fs)

Gene: PALB2 (partner and localizer of BRCA2; minus strand). Cytogenetic location: 16p12.2.
Variant type: Deletion.
Coding change: c.658del on transcript NM_024675.4 (MANE Select); coding-DNA position 658, one base deleted (A; older notation c.658delA).
Protein change: p.Ser220fs; shifts the reading frame from serine 220.
Molecular consequence: frameshift variant.
Genome position (GRCh38, 1-based): chr16:23,635,888, T deleted on the plus strand (A on the coding strand, the reverse complement: PALB2 is on the minus strand). VCF-style (leftmost placement, unchanged base first): chr16-23635887-CT-C. GRCh37 (hg19) VCF-style: chr16-23647208-CT-C.
Other names: NM_024675.3:c.658del; c.658delA (NM_024675.3); short protein forms S220fs.
Identifiers: ClinVar variation 231734 (VCV000231734.62), dbSNP rs876659328, ClinGen allele CA10580035.

ClinVar aggregate classification (germline): Pathogenic. Review status: criteria provided, multiple submitters, no conflicts (2 of 4 stars). 9 submissions from 9 submitters: Pathogenic (8). 1 of the submissions does not count toward it. Last evaluated 2025-08-01.

Conditions:
Hereditary cancer-predisposing syndrome. Also called: Neoplastic Syndromes, Hereditary; Hereditary Cancer Syndrome; Tumor predisposition; Hereditary neoplastic syndrome. Identifiers: Orphanet 140162, MedGen C0027672, MeSH D009386, MONDO:0015356.
Familial cancer of breast. Also called: Hereditary breast cancer; hereditary breast carcinoma; BREAST CANCER, FAMILIAL. Identifiers: Orphanet 227535, MedGen C0346153, MONDO:0016419, OMIM 114480. Disease mechanism: loss of function.

Submissions (9):

CeGaT Center for Human Genetics Tuebingen
Classification: Pathogenic. Last evaluated: 2025-08-01. Review status: criteria provided, single submitter. Criteria: CeGaT Center For Human Genetics Tuebingen Variant Classification Criteria Version 2. Collection method: clinical testing. Allele origin: germline. Affected: yes. Observed: 2 variant alleles.
Comment: PALB2: PVS1, PM2, PS4:Moderate

Labcorp Genetics (formerly Invitae), Labcorp
Classification: Pathogenic for Familial cancer of breast. Last evaluated: 2024-08-21. Review status: criteria provided, single submitter. Criteria: Invitae Variant Classification Sherloc (09022015). Collection method: clinical testing. Allele origin: germline.
Comment: This sequence change creates a premature translational stop signal (p.Ser220Valfs*3) in the PALB2 gene. It is expected to result in an absent or disrupted protein product. Loss-of-function variants in PALB2 are known to be pathogenic (PMID: 17200668, 17200671, 17200672, 24136930, 25099575). This variant is not present in population databases (gnomAD no frequency). This premature translational stop signal has been observed in individual(s) with breast cancer (PMID: 25186627, 27798748). ClinVar contains an entry for this variant (Variation ID: 231734). For these reasons, this variant has been classified as Pathogenic.

Myriad Genetics, Inc.
Classification: Pathogenic for Familial cancer of breast. Last evaluated: 2023-09-06. Review status: criteria provided, single submitter. Criteria: Myriad Autosomal Dominant, Autosomal Recessive and X-Linked Classification Criteria (2023). Collection method: clinical testing. Allele origin: unknown.
Comment: This variant is considered pathogenic. This variant creates a frameshift predicted to result in premature protein truncation.

Ambry Genetics
Classification: Pathogenic for Hereditary cancer-predisposing syndrome. Last evaluated: 2023-07-07. Review status: criteria provided, single submitter. Criteria: Ambry Variant Classification Scheme 2023. Collection method: clinical testing. Allele origin: germline.
Comment: The c.658delA pathogenic mutation, located in coding exon 4 of the PALB2 gene, results from a deletion of one nucleotide at nucleotide position 658, causing a translational frameshift with a predicted alternate stop codon. This variant has been identified in a breast cancer patient with family history of breast cancer (Moran O et al. Breast Cancer Res Treat. 2017 01;161(1):135-142). In addition to the clinical data presented in the literature, this alteration is expected to result in loss of function by premature protein truncation or nonsense-mediated mRNA decay. As such, this alteration is interpreted as a disease-causing mutation..

Baylor Genetics
Classification: Pathogenic for Familial cancer of breast. Last evaluated: 2023-05-28. Review status: criteria provided, single submitter. Criteria: ACMG Guidelines, 2015. Collection method: clinical testing. Allele origin: unknown.

GeneDx
Classification: Pathogenic. Last evaluated: 2023-03-13. Review status: criteria provided, single submitter. Criteria: GeneDx Variant Classification Process June 2021. Collection method: clinical testing. Allele origin: germline. Affected: yes.
Comment: Frameshift variant predicted to result in protein truncation or nonsense mediated decay in a gene for which loss of function is a known mechanism of disease; Not observed at significant frequency in large population cohorts (gnomAD); This variant is associated with the following publications: (PMID: 24853695, 25186627, 27798748, 29522266)

Color Diagnostics, LLC DBA Color Health
Classification: Pathogenic for Hereditary cancer-predisposing syndrome. Last evaluated: 2022-02-28. Review status: criteria provided, single submitter. Criteria: ACMG Guidelines, 2015. Collection method: clinical testing. Allele origin: germline.
Comment: This variant deletes 1 nucleotide in exon 4 of the PALB2 gene, creating a frameshift and premature translation stop signal. This variant is expected to result in an absent or non-functional protein product. This variant has been reported in individuals affected with breast cancer (PMID: 25186627, 27798748). One of these individuals had family history of breast and pancreatic cancer in the first-degree relatives (PMID: 27798748). This variant has not been identified in the general population by the Genome Aggregation Database (gnomAD). Loss of PALB2 function is a known mechanism of disease. Based on the available evidence, this variant is classified as Pathogenic.

Institute of Medical Genetics and Applied Genomics, University Hospital Tübingen
Classification: Pathogenic. Last evaluated: 2020-10-23. Review status: criteria provided, single submitter. Criteria: ACMG Guidelines, 2015. Collection method: clinical testing. Allele origin: germline. Inheritance: Unknown mechanism. Affected: yes.

Leiden Open Variation Database
Classification: Pathogenic for Familial cancer of breast. Last evaluated: 2019-05-13. Review status: no assertion criteria provided. Collection method: curation. Allele origin: germline. Affected: yes. Not counted in ClinVar's aggregate classification.
Comment: Curators: Marc Tischkowitz, Arleen D. Auerbach. Submitter to LOVD: Marc Tischkowitz.

Literature cited by the submitters: PubMed 17200668 (cited by Labcorp Genetics (formerly Invitae), Labcorp); PubMed 17200671 (cited by Labcorp Genetics (formerly Invitae), Labcorp); PubMed 17200672 (cited by Labcorp Genetics (formerly Invitae), Labcorp); PubMed 24136930 (cited by Labcorp Genetics (formerly Invitae), Labcorp); PubMed 25099575 (cited by Labcorp Genetics (formerly Invitae), Labcorp); PubMed 25186627 (cited by 3 submitters); PubMed 27798748 (cited by Labcorp Genetics (formerly Invitae), Labcorp and Color Diagnostics, LLC DBA Color Health).